The following is an entry in ClinVar:

ClinVar aggregate classification (germline): Pathogenic (1 of 4 stars; one submission).

Conditions:
Werner syndrome (WRN). Identifiers: Orphanet 902, MedGen C0043119, MONDO:0010196, OMIM 277700.

Submission:

Labcorp Genetics (formerly Invitae), Labcorp
Classification: Pathogenic for Werner syndrome. Last evaluated: 2024-03-14. Review status: criteria provided, single submitter. Criteria: Invitae Variant Classification Sherloc (09022015). Collection method: clinical testing. Allele origin: germline.
Comment: This sequence change creates a premature translational stop signal (p.Gln144Serfs*12) in the WRN gene. It is expected to result in an absent or disrupted protein product. Loss-of-function variants in WRN are known to be pathogenic (PMID: 16673358). This variant is not present in population databases (gnomAD no frequency). This variant has not been reported in the literature in individuals affected with WRN-related conditions. Algorithms developed to predict the effect of sequence changes on RNA splicing suggest that this variant may disrupt the consensus splice site. For these reasons, this variant has been classified as Pathogenic.

Literature cited by the submitters: PubMed 16673358.

NM_000553.6(WRN):c.430del (p.Gln144fs)

Gene: WRN (WRN RecQ like helicase; plus strand). Cytogenetic location: 8p12.
Variant type: Deletion.
Coding change: c.430del on transcript NM_000553.6 (MANE Select); coding-DNA position 430, one base deleted (C; older notation c.430delC).
Protein change: p.Gln144fs; shifts the reading frame from glutamine 144.
Molecular consequence: frameshift variant.
Genome position (GRCh38, 1-based): chr8:31,064,989, C deleted. VCF-style (leftmost placement, unchanged base first): chr8-31064988-TC-T. GRCh37 (hg19) VCF-style: chr8-30922504-TC-T.
Other names: short protein forms Q144fs.
Identifiers: ClinVar variation 3657338 (VCV003657338.2).